The following is an entry in ClinVar:

NM_001276345.2(TNNT2):c.157G>A (p.Ala53Thr)

Gene: TNNT2 (troponin T2, cardiac type; minus strand). Cytogenetic location: 1q32.1.
Variant type: single nucleotide variant.
Coding change: c.157G>A on transcript NM_001276345.2 (MANE Select); coding-DNA position 157, G replaced by A.
Protein change: p.Ala53Thr; replaces alanine 53 with threonine.
Molecular consequence: missense variant.
Genome position (GRCh38, 1-based): chr1:201,368,168, C>T on the plus strand (G>A on the coding strand, the complement: TNNT2 is on the minus strand). VCF-style: chr1-201368168-C-T. GRCh37 (hg19) VCF-style: chr1-201337296-C-T.
Other names: c.157G>A, p.Ala53Thr (NM_000364.4, NM_001276346.2, NM_001406723.1); c.127G>A, p.Ala43Thr (NM_001001430.3, NM_001001431.3, NM_001276347.2 and 4 more transcripts); c.112G>A, p.Ala38Thr (NM_001001432.3, NM_001406728.1); short protein forms A53T, A38T, A43T.
Identifiers: ClinVar variation 1767596 (VCV001767596.2), dbSNP rs2527079253, ClinGen allele CA077131.
Genomic context (GRCh38, chr1:201,368,168, plus strand): 5'-TCCAGGGGCTCTCGCCACCCCCTGAGGCCCCTGCACCCTCAACCAGAGACTTACCTTCTG[C>T]CCTGGTCTCCTCGGTCTCAGCCTCTGCTTCAGCATCCTCTTCCGCTGCCTCCTCCTGCTC-3'
Protein context (NP_001263274.1, residues 43-63): EAEAETEETR[Ala53Thr]EEDEEEEEAK

ClinVar aggregate classification (germline): Uncertain significance (1 of 4 stars; one submission).

Conditions:
Cardiovascular phenotype. Identifiers: MedGen CN230736.

Allele frequency attached by ClinVar (database versions not stated): gnomAD exomes below 0.00001.
gnomAD v4.1: 3 of 1,614,118 alleles (0.00019%); highest among the groups gnomAD compares: Non-Finnish European, 0.00025%; no homozygotes.

Submission:

Ambry Genetics
Classification: Uncertain significance for Cardiovascular phenotype. Last evaluated: 2022-02-11. Review status: criteria provided, single submitter. Criteria: Ambry Variant Classification Scheme 2023. Collection method: clinical testing. Allele origin: germline.
Comment: The p.A43T variant (also known as c.127G>A), located in coding exon 4 of the TNNT2 gene, results from a G to A substitution at nucleotide position 127. The alanine at codon 43 is replaced by threonine, an amino acid with similar properties. This amino acid position is conserved. In addition, the in silico prediction for this alteration is inconclusive. Since supporting evidence is limited at this time, the clinical significance of this alteration remains unclear.